The following is an entry in ClinVar:

NM_000417.3(IL2RA):c.136A>G (p.Met46Val)

Gene: IL2RA (interleukin 2 receptor subunit alpha; minus strand). Cytogenetic location: 10p15.1.
Variant type: single nucleotide variant.
Coding change: c.136A>G on transcript NM_000417.3 (MANE Select); coding-DNA position 136, A replaced by G.
Protein change: p.Met46Val; replaces methionine 46 with valine.
Molecular consequence: missense variant.
Genome position (GRCh38, 1-based): chr10:6,025,954, T>C on the plus strand (A>G on the coding strand, the complement: IL2RA is on the minus strand). VCF-style: chr10-6025954-T-C. GRCh37 (hg19) VCF-style: chr10-6067917-T-C.
Other names: c.136A>G, p.Met46Val (NM_001308242.2, NM_001308243.2); short protein forms M46V.
Identifiers: ClinVar variation 3697981 (VCV003697981.2).
Genomic context (GRCh38, chr10:6,025,954, plus strand): 5'-GCATATAGAGTGACCCGCTTTTTATTCTGCGGAAACCTCTCTTGCATTCACAGTTCAACA[T>C]GGTTCCTTCCTTGTAGGCCATGGCTTTGAATGTGGCGTGTGGGATCTCTGGCGGGTCATC-3'
Protein context (NP_000408.1, residues 36-56): FKAMAYKEGT[Met46Val]LNCECKRGFR

ClinVar aggregate classification (germline): Uncertain significance (1 of 4 stars; one submission).

Conditions:
Immunodeficiency due to CD25 deficiency. Also called: IL2RA DEFICIENCY; IMMUNODEFICIENCY 41 WITH LYMPHOPROLIFERATION AND AUTOIMMUNITY; CD25 DEFICIENCY. Identifiers: Orphanet 169100, MedGen C1853392, MONDO:0011664, OMIM 606367.

gnomAD v4.1: 2 of 1,614,202 alleles (0.00012%); highest among the groups gnomAD compares: Non-Finnish European, 0.000085%; no homozygotes.

Submission:

Labcorp Genetics (formerly Invitae), Labcorp
Classification: Uncertain significance for Immunodeficiency due to CD25 deficiency. Last evaluated: 2026-01-12. Review status: criteria provided, single submitter. Criteria: Invitae Variant Classification Sherloc (09022015). Collection method: clinical testing. Allele origin: germline.
Comment: This sequence change replaces methionine, which is neutral and non-polar, with valine, which is neutral and non-polar, at codon 46 of the IL2RA protein (p.Met46Val). This variant is not present in population databases (gnomAD no frequency). This variant has not been reported in the literature in individuals affected with IL2RA-related conditions. ClinVar contains an entry for this variant (Variation ID: 3697981). Invitae Evidence Modeling of protein sequence and biophysical properties (such as structural, functional, and spatial information, amino acid conservation, physicochemical variation, residue mobility, and thermodynamic stability) indicates that this missense variant is not expected to disrupt IL2RA protein function with a negative predictive value of 80%. In summary, the available evidence is currently insufficient to determine the role of this variant in disease. Therefore, it has been classified as a Variant of Uncertain Significance.